The following is an entry in ClinVar:

ClinVar aggregate classification (germline): Uncertain significance. Review status: criteria provided, multiple submitters, no conflicts (2 of 4 stars). 2 submissions from 2 submitters: Uncertain significance (2). Last evaluated 2022-03-14.

Allele frequency attached by ClinVar (database versions not stated): gnomAD exomes below 0.00001.
gnomAD v4.1: 1 of 1,613,964 alleles (0.000062%); no homozygotes.

Submissions (2):

GeneDx
Classification: Uncertain significance. Last evaluated: 2022-03-14. Review status: criteria provided, single submitter. Criteria: GeneDx Variant Classification Process June 2021. Collection method: clinical testing. Allele origin: germline. Affected: yes.
Comment: Not observed at significant frequency in large population cohorts (gnomAD); In silico analysis supports that this missense variant does not alter protein structure/function; Has not been previously published as pathogenic or benign to our knowledge

Labcorp Genetics (formerly Invitae), Labcorp
Classification: Uncertain significance. Last evaluated: 2021-08-13. Review status: criteria provided, single submitter. Criteria: Invitae Variant Classification Sherloc (09022015). Collection method: clinical testing. Allele origin: germline.

NM_000391.4(TPP1):c.1009A>C (p.Ile337Leu)

Gene: TPP1 (tripeptidyl peptidase 1; minus strand). Cytogenetic location: 11p15.4.
Variant type: single nucleotide variant.
Coding change: c.1009A>C on transcript NM_000391.4 (MANE Select); coding-DNA position 1009, A replaced by C.
Protein change: p.Ile337Leu; replaces isoleucine 337 with leucine.
Molecular consequence: missense variant.
Genome position (GRCh38, 1-based): chr11:6,616,381, T>G on the plus strand (A>C on the coding strand, the complement: TPP1 is on the minus strand). VCF-style: chr11-6616381-T-G. GRCh37 (hg19) VCF-style: chr11-6637612-T-G.
Other names: short protein forms I337L.
Identifiers: ClinVar variation 573906 (VCV000573906.8), dbSNP rs984125804, ClinGen allele CA217322580.